The following is an entry in ClinVar:

NM_000376.3(VDR):c.1153C>T (p.Gln385Ter)

Gene: VDR (vitamin D receptor; minus strand). Cytogenetic location: 12q13.11.
Variant type: single nucleotide variant.
Coding change: c.1153C>T on transcript NM_000376.3 (MANE Select); coding-DNA position 1153, C replaced by T.
Protein change: p.Gln385Ter; replaces glutamine 385 with a stop codon.
Molecular consequence: nonsense.
Genome position (GRCh38, 1-based): chr12:47,844,877, G>A on the plus strand (C>T on the coding strand, the complement: VDR is on the minus strand). VCF-style: chr12-47844877-G-A. GRCh37 (hg19) VCF-style: chr12-48238660-G-A.
Other names: c.1153C>T, p.Gln385Ter (NM_001017535.2, NM_001364085.2, NM_001374661.1 and 1 more transcripts); c.1303C>T, p.Gln435Ter (NM_001017536.2); short protein forms Q385*, Q435*.
Identifiers: ClinVar variation 3775554 (VCV003775554.1).

ClinVar aggregate classification (germline): Likely pathogenic (1 of 4 stars; one submission).

Conditions:
Vitamin D-dependent rickets type II with alopecia (VDDR2A). Also called: GENERALIZED RESISTANCE TO 1,25-DIHYDROXYVITAMIN D; HYPOCALCEMIC VITAMIN D-RESISTANT RICKETS; PDDR IIA; PSEUDOVITAMIN D-DEFICIENCY, TYPE IIA; RICKETS, HEREDITARY VITAMIN D-RESISTANT; RICKETS-ALOPECIA SYNDROME. Identifiers: Orphanet 93160, MedGen C0342646, MONDO:0010186, OMIM 277440.

Submission:

3billion
Classification: Likely pathogenic for Vitamin D-dependent rickets type II with alopecia. Last evaluated: 2023-06-01. Review status: criteria provided, single submitter. Criteria: ACMG Guidelines, 2015. Collection method: clinical testing. Allele origin: germline. Affected: yes.
Comment: The variant is not observed in the gnomAD v2.1.1 dataset. Predicted Consequence/Location: Stop-gained (nonsense): predicted to result in a loss or disruption of normal protein function through protein truncation. The predicted truncated protein may be shortened by more than 10%. Therefore, this variant is classified as Likely pathogenic according to the recommendation of ACMG/AMP guideline.